The following is an entry in ClinVar:

ClinVar aggregate classification (germline): Uncertain significance. Review status: criteria provided, multiple submitters, no conflicts (2 of 4 stars). 2 submissions from 2 submitters: Uncertain significance (2). Last evaluated 2025-03-30.

Allele frequency attached by ClinVar (database versions not stated): gnomAD exomes below 0.00001; gnomAD 0.00003; TOPMed 0.00003.
gnomAD v4.1: 9 of 1,609,996 alleles (0.00056%); highest among the groups gnomAD compares: Non-Finnish European, 0.00068%; no homozygotes.

Submissions (2):

Ambry Genetics
Classification: Uncertain significance. Last evaluated: 2025-03-30. Review status: criteria provided, single submitter. Criteria: Ambry Variant Classification Scheme 2023. Collection method: clinical testing. Allele origin: germline.

Labcorp Genetics (formerly Invitae), Labcorp
Classification: Uncertain significance. Last evaluated: 2024-03-21. Review status: criteria provided, single submitter. Criteria: Invitae Variant Classification Sherloc (09022015). Collection method: clinical testing. Allele origin: germline.
Comment: This sequence change replaces phenylalanine, which is neutral and non-polar, with valine, which is neutral and non-polar, at codon 305 of the SIX5 protein (p.Phe305Val). This variant is present in population databases (no rsID available, gnomAD 0.002%). This variant has not been reported in the literature in individuals affected with SIX5-related conditions. ClinVar contains an entry for this variant (Variation ID: 1522665). Advanced modeling of protein sequence and biophysical properties (such as structural, functional, and spatial information, amino acid conservation, physicochemical variation, residue mobility, and thermodynamic stability) performed at Invitae indicates that this missense variant is not expected to disrupt SIX5 protein function with a negative predictive value of 80%. In summary, the available evidence is currently insufficient to determine the role of this variant in disease. Therefore, it has been classified as a Variant of Uncertain Significance.

NM_175875.5(SIX5):c.913T>G (p.Phe305Val)

Genes: SIX5 (SIX homeobox 5; minus strand), LOC107075317 (origin of replication in DMPK trinucleotide repeat region; plus strand). Cytogenetic location: 19q13.32.
Variant type: single nucleotide variant.
Coding change: c.913T>G on transcript NM_175875.5 (MANE Select); coding-DNA position 913, T replaced by G.
Protein change: p.Phe305Val; replaces phenylalanine 305 with valine.
Molecular consequence: missense variant.
Genome position (GRCh38, 1-based): chr19:45,767,046, A>C on the plus strand (T>G on the coding strand, the complement: SIX5 is on the minus strand). VCF-style: chr19-45767046-A-C. GRCh37 (hg19) VCF-style: chr19-46270304-A-C.
Other names: c.913T>G (NM_175875.4); short protein forms F305V.
Identifiers: ClinVar variation 1522665 (VCV001522665.7), dbSNP rs1034926531, ClinGen allele CA309001027.
Genomic context (GRCh38, chr19:45,767,046, plus strand): 5'-CGTTCACCAGGATGGAGGAGGAAGCCGGGCAAGGCGCGGGAGGGCCGGTCCCTGCCAGGA[A>C]TATGGAGCCCTGGGCAGCGGCCTCGGCGGACACTGGGGCCGCCCCTCTCTCCAGGTCCTC-3'
Protein context (NP_787071.3, residues 295-315): SAEAAAQGSI[Phe305Val]LAGTGPPAPC